The following is an entry in ClinVar:

NM_000243.3(MEFV):c.986G>A (p.Arg329His)

Gene: MEFV (MEFV innate immunity regulator, pyrin; minus strand). Cytogenetic location: 16p13.3.
Variant type: single nucleotide variant.
Coding change: c.986G>A on transcript NM_000243.3 (MANE Select); coding-DNA position 986, G replaced by A.
Protein change: p.Arg329His; replaces arginine 329 with histidine.
Molecular consequence: missense variant.
Genome position (GRCh38, 1-based): chr16:3,249,705, C>T on the plus strand (G>A on the coding strand, the complement: MEFV is on the minus strand). VCF-style: chr16-3249705-C-T. GRCh37 (hg19) VCF-style: chr16-3299705-C-T.
Other names: c.353G>A, p.Arg118His (NM_001198536.2); short protein forms R329H, R118H.
Identifiers: ClinVar variation 97557 (VCV000097557.92), dbSNP rs104895112, ClinGen allele CA280689.

ClinVar aggregate classification (germline): Conflicting classifications of pathogenicity. Review status: criteria provided, conflicting classifications (1 of 4 stars). 17 submissions from 16 submitters: Uncertain significance (9); Likely benign (4). 4 of the submissions do not count toward it. Last evaluated 2026-03-01.

Conditions:
Autoinflammatory syndrome. Identifiers: Orphanet 93665, MedGen C3890737, MONDO:0019751.
Familial Mediterranean fever (FMF). Also called: POLYSEROSITIS, FAMILIAL PAROXYSMAL; POLYSEROSITIS, RECURRENT; Periodic peritonitis; Benign paroxysmal peritonitis. Identifiers: Orphanet 342, MedGen C0031069, MONDO:0018088, OMIM 249100. Disease mechanism: gain of function.
Familial Mediterranean fever, autosomal dominant. Also called: FMF, AUTOSOMAL DOMINANT; Dominant Familial Mediterranean Fever. Identifiers: Orphanet 342, MedGen C1851347, MONDO:0007601, OMIM 134610.
Acute febrile neutrophilic dermatosis (AFND). Also called: Sweet Syndrome; Gomm Button disease. Identifiers: Orphanet 3243, MedGen C0085077, MONDO:0011959, OMIM 608068.

Allele frequency attached by ClinVar (database versions not stated): TOPMed 0.00124; gnomAD 0.00129 and 0.00133; 1000 Genomes Project 30x 0.00156; ESP Exome Variant Server 0.00177; 1000 Genomes Project 0.00160; ExAC 0.00162; gnomAD exomes 0.00163.
gnomAD v4.1: 3,670 of 1,613,764 alleles (0.23%); highest among the groups gnomAD compares: Non-Finnish European, 0.25%; 10 homozygotes.

Submissions 1 to 9 of 17:

CeGaT Center for Human Genetics Tuebingen
Classification: Likely benign. Last evaluated: 2026-03-01. Review status: criteria provided, single submitter. Criteria: CeGaT Center For Human Genetics Tuebingen Variant Classification Criteria Version 2. Collection method: clinical testing. Allele origin: germline. Affected: yes. Observed: 12 variant alleles.
Comment: MEFV: BP4, BS1

Labcorp Genetics (formerly Invitae), Labcorp
Classification: Likely benign for Familial Mediterranean fever. Last evaluated: 2026-02-03. Review status: criteria provided, single submitter. Criteria: Invitae Variant Classification Sherloc (09022015). Collection method: clinical testing. Allele origin: germline.

Women's Health and Genetics/Laboratory Corporation of America, LabCorp
Classification: Likely benign. Last evaluated: 2025-10-20. Review status: criteria provided, single submitter. Criteria: LabCorp Variant Classification Summary - May 2015. Collection method: clinical testing. Allele origin: germline.
Comment: Variant summary: MEFV c.986G>A (p.Arg329His) results in a non-conservative amino acid change in the encoded protein sequence. Algorithms developed to predict the effect of missense changes on protein structure and function are either unavailable or do not agree on the potential impact of this missense change. The variant allele was found at a frequency of 0.0016 in 249988 control chromosomes, predominantly at a frequency of 0.0021 within the South Asian subpopulation in the gnomAD database, including 2 homozygotes. This frequency is not significantly higher than estimated for disease-causing variants in MEFV, allowing no conclusion about variant significance. c.986G>A, has been reported in the literature in patients in association with FMF, atypical FMF, MS and fibromyalgia (e.g. Feng_2009, Kuempfel_2012, Berdeli_2012, Pauwels_2013, Heshin-Bekenstein_2015, Yao_2016, Balta_2018, Zhang_2018). The phenotypic variability seen with this variant and genotypic information are not clearly specific to FMF, and at least some of these reported FMF patients were not responsive to colchicine therapy (Hashkes_2012). Therefore, these reports do not provide unequivocal conclusions about association of the variant with Familial Mediterranean Fever. The International Study Group for Systemic Autoinflammatory Diseases (INSIAD) involving experts on hereditary recurrent fever genetics, provided a classification of likely benign with a validated status for c.986G>A (Van Gijn_2018). To our knowledge, no experimental evidence demonstrating an impact on protein function has been reported. The following publications have been ascertained in the context of this evaluation (PMID: 31411330, 29260407, 25203624, 20041150, 26247045, 23867542, 23070486, 26554556, 23010357, 22337722, 22903357, 28421071, 29178647, 23325590, 24117178, 27838405, 29599418, 26620106, 29927949). ClinVar contains an entry for this variant (Variation ID: 97557). Based on the evidence outlined above, the variant was classified as likely benign.

GeneDx
Classification: Uncertain significance. Last evaluated: 2024-12-11. Review status: criteria provided, single submitter. Criteria: GeneDx Variant Classification Process June 2021. Collection method: clinical testing. Allele origin: germline. Affected: yes.
Comment: Reported with a second variant (phase unknown) in multiple unrelated individuals with familial Mediterranean fever (PMID: 29260407, 27838405, 30755392); Reported in the heterozygous state in multiple unrelated individuals with familial Mediterranean fever (PMID: 26620106, 20041150, 22903357); In silico analysis indicates that this missense variant does not alter protein structure/function; This variant is associated with the following publications: (PMID: 26554556, 26247045, 22903357, 23010357, 23325590, 24117178, 20041150, 29178647, 23867542, 22337722, 37928541, 26620106, 29408806, 32271453, 27838405, 29260407, 23070486, 31989427, 37941861, 30755392, 35156637)

Blueprint Genetics
Classification: Likely benign. Last evaluated: 2024-11-14. Review status: criteria provided, single submitter. Criteria: ACMG Guidelines, 2015. Collection method: clinical testing. Allele origin: germline.

ARUP Laboratories, Molecular Genetics and Genomics, ARUP Laboratories
Classification: Uncertain significance. Last evaluated: 2022-02-28. Review status: criteria provided, single submitter. Criteria: ARUP Molecular Germline Variant Investigation Process 2021. Collection method: clinical testing. Allele origin: germline.
Comment: The MEFV c.986G>A; p.Arg329His variant (rs104895112) has been described in the literature in several individuals affected with familial Mediterranean fever (FMF), atypical FMF, or fibromyalgia (Lainka 2012, Feng 2009, Portincasa 2013, Yao 2016). This variant is listed in ClinVar (Variation ID: 97557) and is found in the general population with an overall allele frequency of 0.16% (441/279644 alleles, including 2 homozygotes) in the Genome Aggregation Database. The arginine at position 329 is weakly conserved, but computational analyses are uncertain whether this variant is neutral or deleterious (REVEL: 0.166). Due to the wide range of phenyotypes and lack of functional data, the significance of the p.Arg329His variant is uncertain at this time. References: Lainka E et al. Familial Mediterranean fever in Germany: epidemiological, clinical, and genetic characteristics of a pediatric population. Eur J Pediatr. 2012 Dec;171(12):1775-85. PMID: 22903357. Feng J et al. Missense mutations in the MEFV gene are associated with fibromyalgia syndrome and correlate with elevated IL-1beta plasma levels. PLoS One. 2009. 4(12):e8480. PMID: 20041150. Portincasa P et al. Familial mediterranean fever: a fascinating model of inherited autoinflammatory disorder. Eur J Clin Invest. 2013 Dec;43(12):1314-27. PMID: 24117178. Yao Q et al. Adult autoinflammatory disease frequency and our diagnostic experience in an adult autoinflammatory clinic. Semin Arthritis Rheum. 2016 Apr;45(5):633-7. PMID: 26620106.

Center for Genomics, Ann and Robert H. Lurie Children's Hospital of Chicago
Classification: Uncertain significance for Acute febrile neutrophilic dermatosis; Familial Mediterranean fever; Familial Mediterranean fever, autosomal dominant. Last evaluated: 2021-12-08. Review status: criteria provided, single submitter. Criteria: ACMG Guidelines, 2015. Collection method: clinical testing. Allele origin: germline.
Comment: MEFV NM_000243.2 exon 3 p.Arg329His (c.986G>A): This variant has been reported in the literature in at least 8 individuals with features of Familial Mediterranean Fever (FMF) as heterozygous, at least 1 of whom were identified to have a pathogenic variant in MEFV in trans (p.Met694Ile) (Berdelli 2012 PMID:n/a, Kumpfel 2012 PMID:22337722, Lainka 2012 PMID:22903357, Pauwels 2013 PMID:23325590, Yao 2016 PMID:26620106). In addition, this variant was identified in at least 1 individual with fibromyalgia (Feng 2009 PMID:20041150). This variant is present in 0.2% (63/30562) of South Asian alleles, including 2 homozygotes, in the Genome Aggregation Database. This variant is present in ClinVar (Variation ID:97557). This variant amino acid Histidine (His) is present in >30 species including mammals and is not well conserved among evolutionarily distant species; this suggests that this variant may not impact the protein. Additional computational prediction tools do not suggest an impact. In summary, data on this variant is conflicting and insufficient for disease classification. Therefore, the clinical significance of this variant is uncertain.

Genome Diagnostics Laboratory, The Hospital for Sick Children
Classification: Uncertain significance for Autoinflammatory syndrome. Last evaluated: 2021-01-20. Review status: criteria provided, single submitter. Criteria: ACMG Guidelines, 2015. Collection method: clinical testing. Allele origin: germline. Affected: yes.

Center for Genomics, Ann and Robert H. Lurie Children's Hospital of Chicago
Classification: Uncertain significance for Familial Mediterranean fever, autosomal dominant; Familial Mediterranean fever. Last evaluated: 2020-09-28. Review status: criteria provided, single submitter. Criteria: ACMG Guidelines, 2015. Collection method: clinical testing. Allele origin: germline.
Comment: MEFV NM_000243.2 exon 3 p.Arg329His (c.986G>A): This variant has been reported in the literature in at least 8 individuals with features of Familial Mediterranean Fever (FMF) as heterozygous, at least 1 of whom were identified to have a pathogenic variant in MEFV in trans (p.Met694Ile) (Berdelli 2012 PMID:n/a, Kumpfel 2012 PMID:22337722, Lainka 2012 PMID:22903357, Pauwels 2013 PMID:23325590, Yao 2016 PMID:26620106). In addition, this variant was identified in at least 1 individual with fibromyalgia (Feng 2009 PMID:20041150). This variant is present in 0.2% (63/30562) of South Asian alleles amd 1.1% (111/10,054) of Ashkenazi Jewish alleles, including 2 homozygotes, in the Genome Aggregation Database. This variant is present in ClinVar (Variation ID:97557). This variant amino acid Histidine (His) is present in >30 species including mammals and is not well conserved among evolutionarily distant species; this suggests that this variant may not impact the protein. Additional computational prediction tools do not suggest an impact. In summary, data on this variant is conflicting and insufficient for disease classification. Therefore, the clinical significance of this variant is uncertain.